The following is an entry in ClinVar:

NM_000388.4(CASR):c.2651del (p.Ala884fs)

Gene: CASR (calcium sensing receptor; plus strand). Cytogenetic location: 3q21.1.
Variant type: Deletion.
Coding change: c.2651del on transcript NM_000388.4 (MANE Select); coding-DNA position 2651, one base deleted (C; older notation c.2651delC).
Protein change: p.Ala884fs; shifts the reading frame from alanine 884.
Molecular consequence: frameshift variant.
Genome position (GRCh38, 1-based): chr3:122,284,605, C deleted. VCF-style (leftmost placement, unchanged base first): chr3-122284604-GC-G. GRCh37 (hg19) VCF-style: chr3-122003451-GC-G.
Other names: c.2681del, p.Ala894fs (NM_001178065.2); short protein forms A894fs, A884fs.
Identifiers: ClinVar variation 2065678 (VCV002065678.4), dbSNP rs2473281173, ClinGen allele CA2580068665.

ClinVar aggregate classification (germline): Pathogenic (1 of 4 stars; one submission).

Conditions:
Familial hypocalciuric hypercalcemia (FHH). Also called: Familial benign hypercalcemia. Identifiers: Orphanet 405, MedGen C1809471, MONDO:0018458.
Autosomal dominant hypocalcemia 1 (HYPOC1). Also called: HYPOCALCEMIA, FAMILIAL. Identifiers: MedGen C3715128, MONDO:0011013, OMIM 601198.

Submission:

Labcorp Genetics (formerly Invitae), Labcorp
Classification: Pathogenic for Familial hypocalciuric hypercalcemia; Autosomal dominant hypocalcemia 1. Last evaluated: 2023-02-18. Review status: criteria provided, single submitter. Criteria: Invitae Variant Classification Sherloc (09022015). Collection method: clinical testing. Allele origin: germline.
Comment: For these reasons, this variant has been classified as Pathogenic. This variant disrupts a region of the CASR protein in which other variant(s) (p.Arg886Pro) have been determined to be pathogenic (PMID: 11807402, 20798521). This suggests that this is a clinically significant region of the protein, and that variants that disrupt it are likely to be disease-causing. This variant has not been reported in the literature in individuals affected with CASR-related conditions. This variant is not present in population databases (gnomAD no frequency). This sequence change creates a premature translational stop signal (p.Ala884Valfs*55) in the CASR gene. While this is not anticipated to result in nonsense mediated decay, it is expected to disrupt the last 195 amino acid(s) of the CASR protein.

Literature cited by the submitters: PubMed 11807402; PubMed 20798521.